The following is an entry in ClinVar:

NM_006947.4(SRP72):c.1376A>T (p.Lys459Ile)

Gene: SRP72 (signal recognition particle 72; plus strand). Cytogenetic location: 4q12.
Variant type: single nucleotide variant.
Coding change: c.1376A>T on transcript NM_006947.4 (MANE Select); coding-DNA position 1376, A replaced by T.
Protein change: p.Lys459Ile; replaces lysine 459 with isoleucine.
Molecular consequence: missense variant. On other transcripts: non-coding transcript variant (1).
Genome position (GRCh38, 1-based): chr4:56,490,388, A>T. VCF-style: chr4-56490388-A-T. GRCh37 (hg19) VCF-style: chr4-57356554-A-T.
Other names: c.1193A>T, p.Lys398Ile (NM_001267722.2); c.1376A>T (NM_006947.3); short protein forms K398I, K459I.
Identifiers: ClinVar variation 2708426 (VCV002708426.4), dbSNP rs2545767424, ClinGen allele CA357001589.

ClinVar aggregate classification (germline): Uncertain significance. Review status: criteria provided, multiple submitters, no conflicts (2 of 4 stars). 2 submissions from 2 submitters: Uncertain significance (2). Last evaluated 2024-02-01.

Submissions (2):

GeneDx
Classification: Uncertain significance. Last evaluated: 2024-02-01. Review status: criteria provided, single submitter. Criteria: GeneDx Variant Classification Process June 2021. Collection method: clinical testing. Allele origin: germline. Affected: yes.
Comment: Not observed at significant frequency in large population cohorts (gnomAD); In silico analysis supports that this missense variant has a deleterious effect on protein structure/function; Has not been previously published as pathogenic or benign to our knowledge

Labcorp Genetics (formerly Invitae), Labcorp
Classification: Uncertain significance. Last evaluated: 2024-01-09. Review status: criteria provided, single submitter. Criteria: Invitae Variant Classification Sherloc (09022015). Collection method: clinical testing. Allele origin: germline.
Comment: This sequence change replaces lysine, which is basic and polar, with isoleucine, which is neutral and non-polar, at codon 459 of the SRP72 protein (p.Lys459Ile). This variant is not present in population databases (gnomAD no frequency). This variant has not been reported in the literature in individuals affected with SRP72-related conditions. Advanced modeling of protein sequence and biophysical properties (such as structural, functional, and spatial information, amino acid conservation, physicochemical variation, residue mobility, and thermodynamic stability) has been performed at Invitae for this missense variant, however the output from this modeling did not meet the statistical confidence thresholds required to predict the impact of this variant on SRP72 protein function. In summary, the available evidence is currently insufficient to determine the role of this variant in disease. Therefore, it has been classified as a Variant of Uncertain Significance.